The following is an entry in ClinVar:

NM_005982.4(SIX1):c.493A>G (p.Thr165Ala)

Genes: SIX1 (SIX homeobox 1; minus strand), MIR9718 (microRNA 9718; plus strand). Cytogenetic location: 14q23.1.
Variant type: single nucleotide variant.
Coding change: c.493A>G on transcript NM_005982.4 (MANE Select); coding-DNA position 493, A replaced by G.
Protein change: p.Thr165Ala; replaces threonine 165 with alanine.
Molecular consequence: missense variant. On other transcripts: non-coding transcript variant (1).
Genome position (GRCh38, 1-based): chr14:60,648,697, T>C on the plus strand (A>G on the coding strand, the complement: SIX1 is on the minus strand). VCF-style: chr14-60648697-T-C. GRCh37 (hg19) VCF-style: chr14-61115415-T-C.
Other names: c.493A>G, p.Thr165Ala (NM_001425142.1); short protein forms T165A.
Identifiers: ClinVar variation 3749507 (VCV003749507.2).
Genomic context (GRCh38, chr14:60,648,697, plus strand): 5'-TGGCCTCCGCGGCCCGGTCTCTTTGCCTCCGGTTCTTAAACCAGTTGCTGACCTGGGTGG[T>C]GGTGAGGCCGGTGGCCTCGGCCAGCTCCCGCTTCTCACGCGGCGATGGGTAGGGATTGTG-3'
Protein context (NP_005973.1, residues 155-175): RELAEATGLT[Thr165Ala]TQVSNWFKNR

ClinVar aggregate classification (germline): Uncertain significance (1 of 4 stars; one submission).

Conditions:
Branchiootic syndrome 3 (BOS3). Also called: BO SYNDROME 3. Identifiers: MedGen C1842124, MONDO:0012025, OMIM 608389.
Autosomal dominant nonsyndromic hearing loss 23. Identifiers: Orphanet 90635, MedGen C1854594, MONDO:0011519, OMIM 605192.

Submission:

Labcorp Genetics (formerly Invitae), Labcorp
Classification: Uncertain significance for Autosomal dominant nonsyndromic hearing loss 23; Branchiootic syndrome 3. Last evaluated: 2024-11-29. Review status: criteria provided, single submitter. Criteria: Invitae Variant Classification Sherloc (09022015). Collection method: clinical testing. Allele origin: germline.
Comment: This sequence change replaces threonine, which is neutral and polar, with alanine, which is neutral and non-polar, at codon 165 of the SIX1 protein (p.Thr165Ala). This variant is not present in population databases (gnomAD no frequency). This variant has not been reported in the literature in individuals affected with SIX1-related conditions. Invitae Evidence Modeling of protein sequence and biophysical properties (such as structural, functional, and spatial information, amino acid conservation, physicochemical variation, residue mobility, and thermodynamic stability) indicates that this missense variant is not expected to disrupt SIX1 protein function with a negative predictive value of 80%. In summary, the available evidence is currently insufficient to determine the role of this variant in disease. Therefore, it has been classified as a Variant of Uncertain Significance.